The following is an entry in ClinVar:

ClinVar aggregate classification (germline): Uncertain significance (1 of 4 stars; one submission).

Conditions:
Cardiovascular phenotype. Identifiers: MedGen CN230736.

gnomAD v4.1: 7 of 1,600,258 alleles (0.00044%); highest among the groups gnomAD compares: Non-Finnish European, 0.0006%; no homozygotes.

Submission:

Ambry Genetics
Classification: Uncertain significance for Cardiovascular phenotype. Last evaluated: 2025-06-07. Review status: criteria provided, single submitter. Criteria: Ambry Variant Classification Scheme 2023. Collection method: clinical testing. Allele origin: germline.
Comment: The p.E945D variant (also known as c.2835G>C) is located in coding exon 17 of the EPHB4 gene. The glutamic acid at codon 945 is replaced by aspartic acid, an amino acid with highly similar properties. This change occurs in the first base pair of coding exon 17. This amino acid position is conserved. In addition, this alteration is predicted to be tolerated by in silico analysis. Based on the available evidence, the clinical significance of this variant remains unclear.

NM_004444.5(EPHB4):c.2835G>C (p.Glu945Asp)

Gene: EPHB4 (EPH receptor B4; minus strand). Cytogenetic location: 7q22.1.
Variant type: single nucleotide variant.
Coding change: c.2835G>C on transcript NM_004444.5 (MANE Select); coding-DNA position 2835, G replaced by C.
Protein change: p.Glu945Asp; replaces glutamic acid 945 with aspartic acid.
Molecular consequence: missense variant.
Genome position (GRCh38, 1-based): chr7:100,803,590, C>G on the plus strand (G>C on the coding strand, the complement: EPHB4 is on the minus strand). VCF-style: chr7-100803590-C-G. GRCh37 (hg19) VCF-style: chr7-100401212-C-G.
Other names: short protein forms E945D.
Identifiers: ClinVar variation 4018821 (VCV004018821.1).
Genomic context (GRCh38, chr7:100,803,590, plus strand): 5'-GACACTGGCCAAGATTTTCTTCTGGTGTCCCGCCAGAGTGACTCCGATTCGGAGCAGGTC[C>G]CTGCAGAAGGAAAGGAGAGCTTGGTGAGACCCTAGGTTCCCTGTGGCCGCTCTCCTCTCT-3'
Protein context (NP_004435.3, residues 935-955): SFELVSQISA[Glu945Asp]DLLRIGVTLA